The following is an entry in ClinVar:

ClinVar aggregate classification (germline): Uncertain significance (1 of 4 stars; one submission).

Conditions:
TNFRSF1A-related disorder. Also called: TNFRSF1A-related condition.

Submission:

PreventionGenetics, part of Exact Sciences
Classification: Uncertain significance for TNFRSF1A-related condition. Last evaluated: 2023-03-31. Review status: criteria provided, single submitter. Criteria: ACMG Guidelines, 2015. Collection method: clinical testing. Allele origin: germline.
Comment: The TNFRSF1A c.404A>G variant is predicted to result in the amino acid substitution p.Tyr135Cys. To our knowledge, this variant has not been reported in the literature or in a large population database, indicating this variant is rare. At this time, the clinical significance of this variant is uncertain due to the absence of conclusive functional and genetic evidence.

NM_001065.4(TNFRSF1A):c.404A>G (p.Tyr135Cys)

Gene: TNFRSF1A (TNF receptor superfamily member 1A; minus strand). Cytogenetic location: 12p13.31.
Variant type: single nucleotide variant.
Coding change: c.404A>G on transcript NM_001065.4 (MANE Select); coding-DNA position 404, A replaced by G.
Protein change: p.Tyr135Cys; replaces tyrosine 135 with cysteine.
Molecular consequence: missense variant. On other transcripts: 5 prime UTR variant (1), non-coding transcript variant (1).
Genome position (GRCh38, 1-based): chr12:6,333,435, T>C on the plus strand (A>G on the coding strand, the complement: TNFRSF1A is on the minus strand). VCF-style: chr12-6333435-T-C. GRCh37 (hg19) VCF-style: chr12-6442601-T-C.
Other names: c.80A>G, p.Tyr27Cys (NM_001346091.2); c.-174A>G (NM_001346092.2); short protein forms Y135C, Y27C.
Identifiers: ClinVar variation 2633591 (VCV002633591.1), dbSNP rs2497799077, ClinGen allele CA383550074.
Genomic context (GRCh38, chr12:6,333,435, plus strand): 5'-TGCACGGTCCCATTGAGGCAGAGGCTGCAATTGAAGCACTGGAAAAGGTTTTCACTCCAA[T>C]AATGCCGGTACTGGTTCTTCCTGCAGCCACACACGGTGTCCCGGTCCACTGTGCAAGAAG-3'
Protein context (NP_001056.1, residues 125-145): CGCRKNQYRH[Tyr135Cys]WSENLFQCFN